The following is an entry in ClinVar:

ClinVar aggregate classification (germline): Likely pathogenic. Review status: criteria provided, multiple submitters, no conflicts (2 of 4 stars). 2 submissions from 2 submitters: Likely pathogenic (2). Last evaluated 2025-04-30.

Conditions:
MECOM-associated syndrome. Identifiers: MedGen CN305607, MONDO:0100458.
Congenital heart disease (CHD). Identifiers: MedGen C0152021, MONDO:0005453. Disease mechanism: unknown.

Submissions (2):

Wendy Chung Laboratory, Boston Children's Hospital
Classification: Likely pathogenic for MECOM-associated syndrome. Last evaluated: 2025-04-30. Review status: criteria provided, single submitter. Criteria: ACMG Guidelines, 2015. Collection method: research. Allele origin: de novo. Affected: yes. Observed: 1 variant allele.
Comment: NM_0004991.4:c.2831C>T; p.(Thr944Ile) is a DNA single cytosine to thymine base substitution missense variant. The variant is absent from gnomAD v.4.1 (PM2_supporting) and occurred de novo (PS2). The variant is located in a conserved zinc finger domain (PMID: 19767769) (PM1). The variant is a novel missense change at an amino acid residue where a different missense change determined to be likely pathogenic has been seen before (PMID: 37407873) (PM5_supporting). MECOM has a low rate of benign missense variation and missense variants are a common mechanism of MECOM-associated syndrome (PP2). Multiple lines of compuational evidence supprt a deleterious effect (AlphaMissense = 0.998, CADD = 32) (PP3).

Cambridge Genomics Laboratory, East Genomic Laboratory Hub, NHS Genomic Medicine Service
Classification: Likely pathogenic for Congenital heart disease. Last evaluated: 2022-03-31. Review status: criteria provided, single submitter. Criteria: ACGS Best Practice Guidelines for Variant Classification in Rare Disease 2020. Collection method: clinical testing. Allele origin: germline. Affected: yes. Observed: 1 variant allele.

NM_004991.4(MECOM):c.2831C>T (p.Thr944Ile)

Gene: MECOM (MDS1 and EVI1 complex locus; minus strand). Cytogenetic location: 3q26.2.
Variant type: single nucleotide variant.
Coding change: c.2831C>T on transcript NM_004991.4 (MANE Select); coding-DNA position 2831, C replaced by T.
Protein change: p.Thr944Ile; replaces threonine 944 with isoleucine.
Molecular consequence: missense variant.
Genome position (GRCh38, 1-based): chr3:169,100,903, G>A on the plus strand (C>T on the coding strand, the complement: MECOM is on the minus strand). VCF-style: chr3-169100903-G-A. GRCh37 (hg19) VCF-style: chr3-168818691-G-A.
Other names: c.2462C>T, p.Thr821Ile (NM_001105077.4); c.2267C>T, p.Thr756Ile (NM_001105078.4, NM_001205194.2, NM_001366469.2 and 1 more transcripts); c.2243C>T, p.Thr748Ile (NM_001163999.2, NM_001366470.2); c.2240C>T, p.Thr747Ile (NM_001164000.2, NM_001366471.2, NM_001366472.2); c.2804C>T, p.Thr935Ile (NM_001366466.2); c.2270C>T, p.Thr757Ile (NM_001366467.2, NM_001366468.2); c.1832C>T, p.Thr611Ile (NM_001366473.2); c.1268C>T, p.Thr423Ile (NM_001366474.2); short protein forms T423I, T611I, T747I, T748I, T756I, T757I, T821I, T935I.
Identifiers: ClinVar variation 3900742 (VCV003900742.2).